The following is an entry in ClinVar:

NM_000135.4(FANCA):c.3193G>C (p.Val1065Leu)

Gene: FANCA (FA complementation group A; minus strand). Cytogenetic location: 16q24.3.
Variant type: single nucleotide variant.
Coding change: c.3193G>C on transcript NM_000135.4 (MANE Select); coding-DNA position 3193, G replaced by C.
Protein change: p.Val1065Leu; replaces valine 1065 with leucine.
Molecular consequence: missense variant.
Genome position (GRCh38, 1-based): chr16:89,749,776, C>G on the plus strand (G>C on the coding strand, the complement: FANCA is on the minus strand). VCF-style: chr16-89749776-C-G. GRCh37 (hg19) VCF-style: chr16-89816184-C-G.
Other names: c.3193G>C (LRG_495t1); c.3193G>C, p.Val1065Leu (NM_001286167.3); short protein forms V1065L.
Identifiers: ClinVar variation 650464 (VCV000650464.9), dbSNP rs140124051, ClinGen allele CA8251302.

ClinVar aggregate classification (germline): Uncertain significance. Review status: criteria provided, multiple submitters, no conflicts (2 of 4 stars). 2 submissions from 2 submitters: Uncertain significance (2). Last evaluated 2024-10-17.

Conditions:
Fanconi anemia (FA). Also called: Fanconi's anemia. Identifiers: Orphanet 84, MedGen C0015625, MeSH D005199, MONDO:0019391.
Inborn genetic diseases. Identifiers: MedGen C0950123, MeSH D030342.

Submissions (2):

Ambry Genetics
Classification: Uncertain significance for Inborn genetic diseases. Last evaluated: 2024-10-17. Review status: criteria provided, single submitter. Criteria: Ambry Variant Classification Scheme 2023. Collection method: clinical testing. Allele origin: germline.
Comment: The p.V1065L variant (also known as c.3193G>C), located in coding exon 32 of the FANCA gene, results from a G to C substitution at nucleotide position 3193. The valine at codon 1065 is replaced by leucine, an amino acid with highly similar properties. This amino acid position is conserved. In addition, this alteration is predicted to be tolerated by in silico analysis. Based on the available evidence, the clinical significance of this variant remains unclear.

Labcorp Genetics (formerly Invitae), Labcorp
Classification: Uncertain significance for Fanconi anemia. Last evaluated: 2024-04-02. Review status: criteria provided, single submitter. Criteria: Invitae Variant Classification Sherloc (09022015). Collection method: clinical testing. Allele origin: germline.
Comment: This sequence change replaces valine, which is neutral and non-polar, with leucine, which is neutral and non-polar, at codon 1065 of the FANCA protein (p.Val1065Leu). This variant is present in population databases (rs140124051, gnomAD 0.002%). This variant has not been reported in the literature in individuals affected with FANCA-related conditions. ClinVar contains an entry for this variant (Variation ID: 650464). Advanced modeling of protein sequence and biophysical properties (such as structural, functional, and spatial information, amino acid conservation, physicochemical variation, residue mobility, and thermodynamic stability) performed at Invitae indicates that this missense variant is not expected to disrupt FANCA protein function with a negative predictive value of 80%. In summary, the available evidence is currently insufficient to determine the role of this variant in disease. Therefore, it has been classified as a Variant of Uncertain Significance.